The following continues an entry in ClinVar:

NM_000112.4(SLC26A2):c.835C>T (p.Arg279Trp)

Gene: SLC26A2. ClinVar aggregate classification (germline): Pathogenic/Likely pathogenic. Pathogenic (37); Likely pathogenic (2).

Submissions 10 to 25 of 46:

Rady Children's Institute for Genomic Medicine, Rady Children's Hospital San Diego
Classification: Pathogenic for SLC26A2-related disorders. Last evaluated: 2025-01-18. Review status: criteria provided, single submitter. Criteria: ACMG Guidelines, 2015. Collection method: clinical testing. Allele origin: germline. Affected: yes.
Comment: The c.835C>T (p.Arg279Trp) variant affects a highly conserved amino acid and is predicted by multiple in silico tools to have a deleterious effect on protein function. This is the most common SLC26A2 variant outside Finland (45% of alleles) (PMID: 20301493). It has been previously reported as a compound heterozygous and homozygous change in patients with SLC26A2-related disorders (PMID: 8571951, 9342225, 10465113, 22052783, 23840040, 27065010). Functional studies indicate this variant may lead to reduced protein expression and sulfate transport function (PMID: 20219950, 15294877). The c.835C>T (p.Arg279Trp) variant is present in the latest version of the gnomAD population database at an allele frequency of 0.1% (2292/1614060), including 5 homozygous individuals. Based on the available evidence, c.835C>T (p.Arg279Trp) is classified as Pathogenic.

Revvity Omics, Revvity
Classification: Pathogenic. Last evaluated: 2025-01-09. Review status: criteria provided, single submitter. Criteria: ACMG Guidelines, 2015. Collection method: clinical testing. Allele origin: germline.

Blueprint Genetics
Classification: Pathogenic for SLC26A2-related disorders. Last evaluated: 2024-11-11. Review status: criteria provided, single submitter. Criteria: ACMG Guidelines, 2015. Collection method: clinical testing. Allele origin: germline. Affected: yes. Observed: 5 variant alleles.

Fulgent Genetics
Classification: Pathogenic for Diastrophic dysplasia; Multiple epiphyseal dysplasia type 4; Atelosteogenesis type II; Achondrogenesis, type IB. Last evaluated: 2024-05-24. Review status: criteria provided, single submitter. Criteria: ACMG Guidelines, 2015. Collection method: clinical testing. Allele origin: germline.

Baylor Genetics
Classification: Pathogenic for Achondrogenesis, type IB. Last evaluated: 2024-03-30. Review status: criteria provided, single submitter. Criteria: ACMG Guidelines, 2015. Collection method: clinical testing. Allele origin: unknown.

ARUP Laboratories, Molecular Genetics and Genomics, ARUP Laboratories
Classification: Pathogenic. Last evaluated: 2024-02-09. Review status: criteria provided, single submitter. Criteria: ARUP Molecular Germline Variant Investigation Process 2024. Collection method: clinical testing. Allele origin: germline.
Comment: The SLC26A2 c.835C>T; p.Arg279Trp variant (rs104893915) is the second most frequently found SLC26A2 pathogenic variant. It has been described in the homozygous state in numerous individuals with autosomal recessive multiple epiphyseal dysplasia (rMED) with variable presentation including joint pain, hand/foot deformities, scoliosis, reduced stature, brachydactyly, abnormally shaped epiphyses and double layered patella (Ballhausen 2003, Barreda-Bonis 2018, Czarny-Ratajczak 2001, Huber 2001, Rossi 2001, Superti-Furga 1999). It has also been observed in the compound heterozygous state in patients with rMED, diastrophic dysplasia, atelosteogenesis, and in a patient with intermediate phenotype of diastrophic dysplasia/atelosteogenesis (Barreda-Bonis 2018, Hastbacka 1996, Macias-Gomez 2004, Rossi 1996). It is reported as pathogenic by multiple laboratories in ClinVar (Variation ID: 4089), and is observed in the general population at an overall frequency of 0.098% (271/276946 alleles) in the Genome Aggregation Database. Additionally, functional in vitro studies of the variant protein demonstrate reduced protein expression and sulfate transport function, but proper glycosylation and plasma membrane targeting when compared to wild type protein (Karniski 2004). Based on available information, this variant is considered pathogenic. REFERENCES Ballhausen D et al. Recessive multiple epiphyseal dysplasia (rMED): phenotype delineation in eighteen homozygotes for DTDST mutation R279W. J Med Genet 2003; 40:65. Barreda-Bonis A et al. Multiple SLC26A2 mutations occurring in a three-generational family. Eur J Med Genet. 2018 Jan;61(1):24-28. Czarny-Ratajczak M et al. A mutation in COL9A1 causes multiple epiphyseal dysplasia: further evidence for locus heterogeneity. Am J Hum Genet 2001; 69:669-80. Hastbacka J et al. Atelosteogenesis type II is caused by mutations in the diastrophic dysplasia sulfate-transporter gene (DTDST): evidence for a phenotypic series involving three chondrodysplasias. Am J Hum Genet 1996; 58(2):255-262. Huber C et al. Sulphate transporter gene mutations in apparently isolated club foot. J Med Genet 2001; 38:191-3. Karniski LP et al. Functional expression and cellular distribution of diastrophic dysplasia sulfate transporter (DTDST) gene mutations in HEK cells. Hum Mol Genet 2004; 13(19):2165-2171. Macias-Gomez NM et al. Diastrophic dysplasia and atelosteogenesis type II as expression of compound heterozygosis: first report of a Mexican patient and genotype-phenotype correlation. Am J Med Genet A 2004; 129A(2):190-192. Rossi A et al. Mutations in the diastrophic dysplasia sulfate transporter (DTDST) gene (SLC26A2): 22 novel mutations, mutation review, associated skeletal phenotypes, and diagnostic relevance. Hum Mutat 2001; 17(3):159-171. Rossi A et al. Phenotypic and genotypic overlap between atelosteogenesis type 2 and diastrophic dysplasia. Hum Genet 1996; 98(6):657-661. Superti-Furga A et al. Recessively inherited multiple epiphyseal dysplasia with normal stature, club foot, and double layered patella caused by a DTDST mutation. J Med Genet 1999; 36:621-624.

Laboratory of Medical Genetics, National & Kapodistrian University of Athens
Classification: Pathogenic for Multiple epiphyseal dysplasia type 4. Last evaluated: 2024-02-01. Review status: criteria provided, single submitter. Criteria: ACMG Guidelines, 2015. Collection method: curation. Allele origin: germline. Affected: no.

Department of Pathology and Laboratory Medicine, Sinai Health System
Classification: Pathogenic for Multiple epiphyseal dysplasia type 4. Last evaluated: 2023-09-06. Review status: criteria provided, single submitter. Criteria: ACMG Guidelines, 2015. Collection method: research. Allele origin: germline.

Ambry Genetics
Classification: Pathogenic for Inborn genetic diseases. Last evaluated: 2023-06-09. Review status: criteria provided, single submitter. Criteria: Ambry Variant Classification Scheme 2023. Collection method: clinical testing. Allele origin: germline.
Comment: The c.835C>T (p.R279W) alteration is located in exon 3 (coding exon 2) of the SLC26A2 gene. This alteration results from a C to T substitution at nucleotide position 835, causing the arginine (R) at amino acid position 279 to be replaced by a tryptophan (W). Based on data from gnomAD, the T allele has an overall frequency of 0.096% (271/282628) total alleles studied. The highest observed frequency was 0.222% (23/10358) of Ashkenazi Jewish alleles. The p.R279W alteration has been observed homozygous or compound heterozygous in individuals presenting with various disorders including multiple epiphyseal dysplasia (rMED), diastrophic dysplasia (DTD), and atelosteogenesis type II. This alteration is the most common in the European, Non-Finnish population (Superti-Furga, 1999; Rossi, 2001). Patients who are homozygous for this alteration typically have a clinical diagnosis of multiple epiphyseal dysplasia (Ballhausen, 2003) Other patients in which the p.R279W alteration occurs in trans with a second mutation can have atelosteogenesis type II (Hastback, 1996), diastrophic dysplasia (Rossi, 2001), or intermediate syndromes involving various features of these disorders (Zechi-Ceide, 2013; Maeda, 2006). This amino acid position is highly conserved in available vertebrate species. The p.R279 amino acid is located in the sulfate transporter family protein domain (Rossi, 2001). Functional analysis demonstrated that the p.R279W alteration decreased protein function (~45% of wildtype) (Karniski, 2004). This alteration is predicted to be deleterious by in silico analysis. Based on the available evidence, this alteration is classified as pathogenic.

Laboratorio de Genetica e Diagnostico Molecular, Hospital Israelita Albert Einstein
Classification: Pathogenic for Diastrophic dysplasia. Last evaluated: 2022-12-02. Review status: criteria provided, single submitter. Criteria: ACMG Guidelines, 2015. Collection method: clinical testing. Allele origin: germline. Affected: yes. Observed: 1 variant allele.
Comment: ACMG classification criteria: PS3 supporting, PM3 very strong, PP3 supporting

Baylor Genetics
Classification: Pathogenic for Atelosteogenesis type II. Last evaluated: 2022-07-06. Review status: criteria provided, single submitter. Criteria: ACMG Guidelines, 2015. Collection method: clinical testing. Allele origin: unknown.

Baylor Genetics
Classification: Pathogenic for Multiple epiphyseal dysplasia type 4. Last evaluated: 2022-07-06. Review status: criteria provided, single submitter. Criteria: ACMG Guidelines, 2015. Collection method: clinical testing. Allele origin: unknown.

Baylor Genetics
Classification: Pathogenic for Diastrophic dysplasia. Last evaluated: 2022-07-06. Review status: criteria provided, single submitter. Criteria: ACMG Guidelines, 2015. Collection method: clinical testing. Allele origin: unknown.

GeneDx
Classification: Pathogenic. Last evaluated: 2022-05-06. Review status: criteria provided, single submitter. Criteria: GeneDx Variant Classification Process June 2021. Collection method: clinical testing. Allele origin: germline. Affected: yes.
Comment: Most common pathogenic variant reported in the SLC26A2 gene among non-Finnish European individuals (Bonafe et al., 2014a); Reported as a mild disease-associated variant with phenotypic variability ranging from multiple epiphyseal dysplasia, when seen in the homozygous state, to the more severe diastrophic dysplasia, when seen in a compound heterozygous state (Bonafe et al., 2014a); In silico analysis, which includes protein predictors and evolutionary conservation, supports a deleterious effect; This variant is associated with the following publications: (PMID: 10465113, 24598000, 20219950, 24458706, 26354092, 12193993, 20592910, 10482955, 22052783, 9342225, 11241838, 16642506, 27065010, 15316973, 29024831, 28726809, 26990548, 8931695, 30609409, 31028937, 30423444, 31980526, 32510848, 20301493, 15294877, 34426522, 31589614, 32333414, 33726816, 34064542, 33728303, 32633442, 34012376, 8571951, 23840040, 12525546, 33742171)

Genome Diagnostics Laboratory, The Hospital for Sick Children
Classification: Pathogenic for Connective tissue disorder. Last evaluated: 2021-08-18. Review status: criteria provided, single submitter. Criteria: ACMG Guidelines, 2015. Collection method: clinical testing. Allele origin: germline.

Institute of Medical Genetics and Applied Genomics, University Hospital Tübingen
Classification: Pathogenic. Last evaluated: 2021-06-17. Review status: criteria provided, single submitter. Criteria: ACMG Guidelines, 2015. Collection method: clinical testing. Allele origin: germline. Inheritance: Autosomal recessive inheritance. Affected: yes.